The following is an entry in ClinVar:

ClinVar aggregate classification (germline): Uncertain significance (1 of 4 stars; one submission).

Conditions:
Brugada syndrome 8 (BRGDA8). Identifiers: Orphanet 130, MedGen C2751083, MONDO:0013148, OMIM 613123.

Submission:

Labcorp Genetics (formerly Invitae), Labcorp
Classification: Uncertain significance for Brugada syndrome 8. Last evaluated: 2023-05-19. Review status: criteria provided, single submitter. Criteria: Invitae Variant Classification Sherloc (09022015). Collection method: clinical testing. Allele origin: germline.
Comment: In summary, the available evidence is currently insufficient to determine the role of this variant in disease. Therefore, it has been classified as a Variant of Uncertain Significance. Advanced modeling of protein sequence and biophysical properties (such as structural, functional, and spatial information, amino acid conservation, physicochemical variation, residue mobility, and thermodynamic stability) performed at Invitae indicates that this missense variant is not expected to disrupt HCN4 protein function. This variant has not been reported in the literature in individuals affected with HCN4-related conditions. This variant is not present in population databases (gnomAD no frequency). This sequence change replaces aspartic acid, which is acidic and polar, with tyrosine, which is neutral and polar, at codon 198 of the HCN4 protein (p.Asp198Tyr).

NM_005477.3(HCN4):c.592G>T (p.Asp198Tyr)

Gene: HCN4 (hyperpolarization activated cyclic nucleotide gated potassium channel 4; minus strand). Cytogenetic location: 15q24.1.
Variant type: single nucleotide variant.
Coding change: c.592G>T on transcript NM_005477.3 (MANE Select); coding-DNA position 592, G replaced by T.
Protein change: p.Asp198Tyr; replaces aspartic acid 198 with tyrosine.
Molecular consequence: missense variant.
Genome position (GRCh38, 1-based): chr15:73,367,679, C>A on the plus strand (G>T on the coding strand, the complement: HCN4 is on the minus strand). VCF-style: chr15-73367679-C-A. GRCh37 (hg19) VCF-style: chr15-73660020-C-A.
Other names: short protein forms D198Y.
Identifiers: ClinVar variation 2737525 (VCV002737525.3), dbSNP rs1168642170, ClinGen allele CA393097542.